The following is an entry in ClinVar:

ClinVar aggregate classification (germline): Uncertain significance. Review status: criteria provided, multiple submitters, no conflicts (2 of 4 stars). 2 submissions from 2 submitters: Uncertain significance (2). Last evaluated 2021-12-02.

Conditions:
Autosomal recessive ataxia, Beauce type. Also called: Spinocerebellar ataxia, autosomal recessive 8; ATAXIA, RECESSIVE, OF BEAUCE; SYNE1 Deficiency; SYNE1-Related Autosomal Recessive Cerebellar Ataxia. Identifiers: Orphanet 88644, MedGen C1853116, MONDO:0012549, OMIM 610743.
Emery-Dreifuss muscular dystrophy 4, autosomal dominant (EDMD4). Also called: EMERY-DREIFUSS MUSCULAR DYSTROPHY 4 WITH VARIABLE FEATURES. Identifiers: Orphanet 261, MedGen C2751807, MONDO:0013071, OMIM 612998.

Allele frequency attached by ClinVar (database versions not stated): gnomAD exomes below 0.00001; TOPMed 0.00001.
gnomAD v4.1: 14 of 1,614,012 alleles (0.00087%); highest among the groups gnomAD compares: Non-Finnish European, 0.0011%; no homozygotes.

Submissions (2):

Labcorp Genetics (formerly Invitae), Labcorp
Classification: Uncertain significance for Emery-Dreifuss muscular dystrophy 4, autosomal dominant; Autosomal recessive ataxia, Beauce type. Last evaluated: 2021-12-02. Review status: criteria provided, single submitter. Criteria: Invitae Variant Classification Sherloc (09022015). Collection method: clinical testing. Allele origin: germline.
Comment: This sequence change replaces arginine, which is basic and polar, with proline, which is neutral and non-polar, at codon 2018 of the SYNE1 protein (p.Arg2018Pro). This variant is present in population databases (no rsID available, gnomAD 0.003%). This variant has not been reported in the literature in individuals affected with SYNE1-related conditions. ClinVar contains an entry for this variant (Variation ID: 597670). Algorithms developed to predict the effect of missense changes on protein structure and function are either unavailable or do not agree on the potential impact of this missense change (SIFT: "Deleterious"; PolyPhen-2: "Benign"; Align-GVGD: "Class C0"). In summary, the available evidence is currently insufficient to determine the role of this variant in disease. Therefore, it has been classified as a Variant of Uncertain Significance.

Eurofins Ntd Llc (ga)
Classification: Uncertain significance. Last evaluated: 2018-06-21. Review status: criteria provided, single submitter. Criteria: EGL ClinVar v180209 classification definitions. Collection method: clinical testing. Allele origin: germline. Observed: 1 variant allele, 1 heterozygote.

NM_182961.4(SYNE1):c.6032G>C (p.Arg2011Pro)

Gene: SYNE1 (spectrin repeat containing nuclear envelope protein 1; minus strand). Cytogenetic location: 6q25.2.
Variant type: single nucleotide variant.
Coding change: c.6032G>C on transcript NM_182961.4 (MANE Select); coding-DNA position 6032, G replaced by C.
Protein change: p.Arg2011Pro; replaces arginine 2011 with proline.
Molecular consequence: missense variant.
Genome position (GRCh38, 1-based): chr6:152,416,405, C>G on the plus strand (G>C on the coding strand, the complement: SYNE1 is on the minus strand). VCF-style: chr6-152416405-C-G. GRCh37 (hg19) VCF-style: chr6-152737540-C-G.
Other names: c.6053G>C, p.Arg2018Pro (NM_033071.5); short protein forms R2011P, R2018P.
Identifiers: ClinVar variation 597670 (VCV000597670.13), dbSNP rs1199419170, ClinGen allele CA366131294.
Genomic context (GRCh38, chr6:152,416,405, plus strand): 5'-CAAAAGAAAAGAGACAAGTGGCCGTGACAGTTTCCTATTTACCTCTGCTGAAGAGCTTGG[C>G]GGGTAGGTTCTTTCAATCGCTCTTTGTCAGTCCTTTCTTCAATGTCCTCAATGCTTTTCA-3'
Protein context (NP_892006.3, residues 2001-2021): TDKERLKEPT[Arg2011Pro]QALQQRLRVF